The following is an entry in ClinVar:

ClinVar aggregate classification (germline): Uncertain significance (1 of 4 stars; one submission).

Submission:

Labcorp Genetics (formerly Invitae), Labcorp
Classification: Uncertain significance. Last evaluated: 2024-12-24. Review status: criteria provided, single submitter. Criteria: Invitae Variant Classification Sherloc (09022015). Collection method: clinical testing. Allele origin: germline.
Comment: This sequence change replaces alanine, which is neutral and non-polar, with glutamic acid, which is acidic and polar, at codon 409 of the IHH protein (p.Ala409Glu). This variant is not present in population databases (gnomAD no frequency). This variant has not been reported in the literature in individuals affected with IHH-related conditions. An algorithm developed to predict the effect of missense changes on protein structure and function (PolyPhen-2) suggests that this variant is likely to be tolerated. In summary, the available evidence is currently insufficient to determine the role of this variant in disease. Therefore, it has been classified as a Variant of Uncertain Significance.

NM_002181.4(IHH):c.1226C>A (p.Ala409Glu)

Gene: IHH (Indian hedgehog signaling molecule; minus strand). Cytogenetic location: 2q35.
Variant type: single nucleotide variant.
Coding change: c.1226C>A on transcript NM_002181.4 (MANE Select); coding-DNA position 1226, C replaced by A.
Protein change: p.Ala409Glu; replaces alanine 409 with glutamic acid.
Molecular consequence: missense variant.
Genome position (GRCh38, 1-based): chr2:219,055,217, G>T on the plus strand (C>A on the coding strand, the complement: IHH is on the minus strand). VCF-style: chr2-219055217-G-T. GRCh37 (hg19) VCF-style: chr2-219919939-G-T.
Other names: short protein forms A409E.
Identifiers: ClinVar variation 3692832 (VCV003692832.2).